The following is an entry in ClinVar:

NM_024301.5(FKRP):c.821T>A (p.Ile274Asn)

Gene: FKRP (fukutin related protein; plus strand). Cytogenetic location: 19q13.32.
Variant type: single nucleotide variant.
Coding change: c.821T>A on transcript NM_024301.5 (MANE Select); coding-DNA position 821, T replaced by A.
Protein change: p.Ile274Asn; replaces isoleucine 274 with asparagine.
Molecular consequence: missense variant.
Genome position (GRCh38, 1-based): chr19:46,756,271, T>A. VCF-style: chr19-46756271-T-A. GRCh37 (hg19) VCF-style: chr19-47259528-T-A.
Other names: c.821T>A, p.Ile274Asn (NM_001039885.3); short protein forms I274N.
Identifiers: ClinVar variation 2566783 (VCV002566783.2), dbSNP rs2054919311, ClinGen allele CA406496076.

ClinVar aggregate classification (germline): Uncertain significance (1 of 4 stars; one submission).

Conditions:
Cardiovascular phenotype. Identifiers: MedGen CN230736.

Allele frequency attached by ClinVar (database versions not stated): TOPMed below 0.00001.
gnomAD v4.1: 1 of 1,507,970 alleles (0.000066%); highest among the groups gnomAD compares: African/African-American, 0.0014%; no homozygotes.

Submission:

Ambry Genetics
Classification: Uncertain significance for Cardiovascular phenotype. Last evaluated: 2023-06-14. Review status: criteria provided, single submitter. Criteria: Ambry Variant Classification Scheme 2023. Collection method: clinical testing. Allele origin: germline.
Comment: The p.I274N variant (also known as c.821T>A), located in coding exon 1 of the FKRP gene, results from a T to A substitution at nucleotide position 821. The isoleucine at codon 274 is replaced by asparagine, an amino acid with dissimilar properties. This amino acid position is conserved. In addition, the in silico prediction for this alteration is inconclusive. Since supporting evidence is limited at this time, the clinical significance of this alteration remains unclear.